The following is an entry in ClinVar:

ClinVar aggregate classification (germline): Uncertain significance (1 of 4 stars; one submission).

Submission:

Ambry Genetics
Classification: Uncertain significance. Last evaluated: 2025-10-23. Review status: criteria provided, single submitter. Criteria: Ambry Variant Classification Scheme 2023. Collection method: clinical testing. Allele origin: germline.
Comment: The p.E828Q variant (also known as c.2482G>C), located in coding exon 1 of the MLH3 gene, results from a G to C substitution at nucleotide position 2482. The glutamic acid at codon 828 is replaced by glutamine, an amino acid with highly similar properties. This amino acid position is conserved. In addition, this alteration is predicted to be tolerated by in silico analysis. Based on the available evidence, the clinical significance of this variant remains unclear.

NM_001040108.2(MLH3):c.2482G>C (p.Glu828Gln)

Gene: MLH3 (mutL homolog 3; minus strand). Cytogenetic location: 14q24.3.
Variant type: single nucleotide variant.
Coding change: c.2482G>C on transcript NM_001040108.2 (MANE Select); coding-DNA position 2482, G replaced by C.
Protein change: p.Glu828Gln; replaces glutamic acid 828 with glutamine.
Molecular consequence: missense variant.
Genome position (GRCh38, 1-based): chr14:75,047,174, C>G on the plus strand (G>C on the coding strand, the complement: MLH3 is on the minus strand). VCF-style: chr14-75047174-C-G. GRCh37 (hg19) VCF-style: chr14-75513877-C-G.
Other names: c.2482G>C, p.Glu828Gln (NM_014381.3); short protein forms E828Q.
Identifiers: ClinVar variation 4552102 (VCV004552102.1).